The following is an entry in ClinVar:

NM_001002010.5(NT5C3A):c.139-9061C>A

Gene: NT5C3A (5'-nucleotidase, cytosolic IIIA; minus strand). Cytogenetic location: 7p14.3.
Variant type: single nucleotide variant.
Coding change: c.139-9061C>A on transcript NM_001002010.5 (MANE Select); 9061 bases into the intron before coding-DNA position 139, C replaced by A.
Molecular consequence: intron variant. On other transcripts: 5 prime UTR variant (6).
Genome position (GRCh38, 1-based): chr7:33,035,976, G>T on the plus strand (C>A on the coding strand, the complement: NT5C3A is on the minus strand). VCF-style: chr7-33035976-G-T. GRCh37 (hg19) VCF-style: chr7-33075588-G-T.
Other names: c.-7C>A (NM_001002009.3, NM_001374339.1, NM_016489.14); c.-129C>A (NM_001166118.3); c.-124C>A (NM_001356996.3, NM_001374336.1); c.139-11868C>A (NM_001374335.1); c.139-9061C>A (NM_001374338.1); c.-1+4896C>A (NM_001374337.1).
Identifiers: ClinVar variation 3031407 (VCV003031407.2), dbSNP rs934016307, ClinGen allele CA156240274.

ClinVar aggregate classification (germline): Likely benign (0 of 4 stars; one submission).

Conditions:
NT5C3A-related disorder. Also called: NT5C3A-related condition.

Allele frequency attached by ClinVar (database versions not stated): gnomAD exomes below 0.00001; gnomAD 0.00003; TOPMed 0.00003.
gnomAD v4.1: 10 of 1,604,836 alleles (0.00062%); highest among the groups gnomAD compares: African/African-American, 0.012%; no homozygotes.

Submission:

PreventionGenetics, part of Exact Sciences
Classification: Likely benign for NT5C3A-related condition. Last evaluated: 2023-11-08. Review status: no assertion criteria provided. Collection method: clinical testing. Allele origin: germline.
Comment: This variant is classified as likely benign based on ACMG/AMP sequence variant interpretation guidelines (Richards et al. 2015 PMID: 25741868, with internal and published modifications).